The following is an entry in ClinVar:

ClinVar aggregate classification (germline): Conflicting classifications of pathogenicity. Review status: criteria provided, conflicting classifications (1 of 4 stars). 4 submissions from 4 submitters: Uncertain significance (1); Benign (2); Likely benign (1). Last evaluated 2026-02-17.

Conditions:
Early-infantile DEE. Also called: Ohtahara syndrome; Early infantile epileptic encephalopathy; Early infantile epileptic encephalopathy with suppression bursts. Identifiers: Orphanet 1934, MedGen C0393706, MONDO:0800491.
Developmental and epileptic encephalopathy, 5 (DEE5). Identifiers: Orphanet 3451, MedGen C3150731, MONDO:0013277, OMIM 613477.

Allele frequency attached by ClinVar (database versions not stated): TOPMed 0.00002; gnomAD 0.00003 and 0.00007; gnomAD exomes 0.00006; ExAC 0.00007; 1000 Genomes Project 30x 0.00078; 1000 Genomes Project 0.00100.
gnomAD v4.1: 32 of 1,613,450 alleles (0.002%); highest among the groups gnomAD compares: South Asian, 0.018%; no homozygotes.

Submissions (4):

Women's Health and Genetics/Laboratory Corporation of America, LabCorp
Classification: Uncertain significance. Last evaluated: 2026-02-17. Review status: criteria provided, single submitter. Criteria: LabCorp Variant Classification Summary - May 2015. Collection method: clinical testing. Allele origin: germline.
Comment: Variant summary: SPTAN1 c.6959+6C>T alters a nucleotide located close to a canonical splice site and therefore could affect mRNA splicing, leading to a significantly altered protein sequence. Consensus agreement among computation tools predict no significant impact on normal splicing. However, these predictions have yet to be confirmed by functional studies. The variant allele was found at a frequency of 6.4e-05 in 250074 control chromosomes. This frequency is not significantly higher than estimated for disease-causing variants in SPTAN1, allowing no conclusion about variant significance. To our knowledge, no occurrence of c.6959+6C>T in individuals affected with SPTAN1-related conditions and no experimental evidence demonstrating its impact on protein function have been reported. ClinVar contains an entry for this variant (Variation ID: 365180). Based on the evidence outlined above, the variant was classified as uncertain significance.

Labcorp Genetics (formerly Invitae), Labcorp
Classification: Benign for Early-infantile DEE. Last evaluated: 2025-10-21. Review status: criteria provided, single submitter. Criteria: Invitae Variant Classification Sherloc (09022015). Collection method: clinical testing. Allele origin: germline.

Genome-Nilou Lab
Classification: Benign for Developmental and epileptic encephalopathy, 5. Last evaluated: 2021-07-15. Review status: criteria provided, single submitter. Criteria: ACMG Guidelines, 2015. Collection method: clinical testing. Allele origin: germline. Affected: no.

GeneDx
Classification: Likely benign. Last evaluated: 2017-08-17. Review status: criteria provided, single submitter. Criteria: GeneDx Variant Classification (06012015). Collection method: clinical testing. Allele origin: germline. Affected: yes.
Comment: This variant is considered likely benign or benign based on one or more of the following criteria: it is a conservative change, it occurs at a poorly conserved position in the protein, it is predicted to be benign by multiple in silico algorithms, and/or has population frequency not consistent with disease.

NM_001130438.3(SPTAN1):c.6959+6C>T

Gene: SPTAN1 (spectrin alpha, non-erythrocytic 1; plus strand). Cytogenetic location: 9q34.11.
Variant type: single nucleotide variant.
Coding change: c.6959+6C>T on transcript NM_001130438.3 (MANE Select); 6 bases into the intron after coding-DNA position 6959, C replaced by T.
Molecular consequence: intron variant.
Genome position (GRCh38, 1-based): chr9:128,632,329, C>T. VCF-style: chr9-128632329-C-T. GRCh37 (hg19) VCF-style: chr9-131394608-C-T.
Other names: c.7022+6C>T (NM_001363759.2); c.6944+6C>T (NM_003127.4); c.6899+6C>T (NM_001363765.2); c.6884+6C>T (NM_001195532.2).
Identifiers: ClinVar variation 365180 (VCV000365180.17), dbSNP rs542848685, ClinGen allele CA5265932.